The following is an entry in ClinVar:

GRCh38/hg38 2p16.1(chr2:56220787-56406370)x1

Genes: CCDC85A (coiled-coil domain containing 85A; plus strand), LOC126806223 (P300/CBP strongly-dependent group 1 enhancer GRCh37_chr2:56514747-56515946; plus strand). Cytogenetic location: 2p16.1.
Variant type: copy number loss.
Change: copy number 1 (one copy instead of two) of chr2:56,220,787-56,406,370 (185.6 kb, GRCh38 coordinates, 1-based), cytogenetic band 2p16.1.
Identifiers: ClinVar variation 146372 (VCV000146372.2).

ClinVar aggregate classification (germline): conflicting data from submitters (0 of 4 stars; one submission).

Submission:

ISCA site 1
Classification: conflicting data from submitters. Last evaluated: 2011-04-27. Review status: no assertion criteria provided. Collection method: clinical testing. Allele origin: unknown. Affected: yes. Observed: 2 variant alleles.
Comment: Uncertain significance(1), Likely benign (1)

Copy number variation identified through the course of routine clinical cytogenomic testing in postnatal populations, with clinical assertions as classified by the original submitter. For data from the original published study, Kaminsky, et al. 2011 (PubMed 21844811), please see nstd101.